The following is an entry in ClinVar:

ClinVar aggregate classification (germline): Uncertain significance (1 of 4 stars; one submission).

Conditions:
Netherton syndrome (NETH). Also called: NETHERTON DISEASE; ERYTHRODERMA, ICHTHYOSIFORM, WITH HYPOTRICHOSIS AND HYPER-IgE; COMEL-NETHERTON SYNDROME. Identifiers: Orphanet 634, MedGen C5574950, MONDO:0009735, OMIM 256500.

Allele frequency attached by ClinVar (database versions not stated): gnomAD exomes below 0.00001; TOPMed below 0.00001; gnomAD 0.00001.

Submission:

Center for Genomics, Ann and Robert H. Lurie Children's Hospital of Chicago
Classification: Uncertain significance for Netherton syndrome. Last evaluated: 2021-03-30. Review status: criteria provided, single submitter. Criteria: ACMG Guidelines, 2015. Collection method: clinical testing. Allele origin: germline.
Comment: SPINK5 NM_006846.3 exon 14 p.Lys428Glu (c.1282A>G): This variant has not been reported in the literature but is present in 1/33494 Latino alleles in the Genome Aggregation Database. This variant Glutamic acid (Glu) is present in several species; this suggests that this variant may not impact the protein. Additional computational prediction tools do not suggest an impact. In summary, data on this variant is insufficient for disease classification. Therefore, the clinical significance of this variant is uncertain.

NM_006846.4(SPINK5):c.1282A>G (p.Lys428Glu)

Gene: SPINK5 (serine peptidase inhibitor Kazal type 5; plus strand). Cytogenetic location: 5q32.
Variant type: single nucleotide variant.
Coding change: c.1282A>G on transcript NM_006846.4 (MANE Select); coding-DNA position 1282, A replaced by G.
Protein change: p.Lys428Glu; replaces lysine 428 with glutamic acid.
Molecular consequence: missense variant.
Genome position (GRCh38, 1-based): chr5:148,101,416, A>G. VCF-style: chr5-148101416-A-G. GRCh37 (hg19) VCF-style: chr5-147480979-A-G.
Other names: c.1282A>G, p.Lys428Glu (NM_001127698.2, NM_001127699.2); short protein forms K428E.
Identifiers: ClinVar variation 626174 (VCV000626174.2), dbSNP rs1428055248, ClinGen allele CA361636980.